The following is an entry in ClinVar:

ClinVar aggregate classification (germline): Benign. Review status: criteria provided, multiple submitters, no conflicts (2 of 4 stars). 4 submissions from 4 submitters: Benign (4). Last evaluated 2026-02-03.

Conditions:
Oculotrichoanal syndrome (MOTA). Also called: MARLES SYNDROME; Manitoba Oculotrichoanal (MOTA) Syndrome. Identifiers: Orphanet 2717, MedGen C1855425, MONDO:0009560, OMIM 248450.

Allele frequency attached by ClinVar (database versions not stated): gnomAD exomes 0.00257; gnomAD 0.01035 and 0.01114; 1000 Genomes Project 0.01118; 1000 Genomes Project 30x 0.01171; ESP Exome Variant Server 0.01182; TOPMed 0.01207.
gnomAD v4.1: 3,181 of 1,612,464 alleles (0.2%); highest among the groups gnomAD compares: African/African-American, 3.8%; 52 homozygotes.

Submissions (4):

Labcorp Genetics (formerly Invitae), Labcorp
Classification: Benign. Last evaluated: 2026-02-03. Review status: criteria provided, single submitter. Criteria: Invitae Variant Classification Sherloc (09022015). Collection method: clinical testing. Allele origin: germline.

Mayo Clinic Laboratories, Mayo Clinic
Classification: Benign. Last evaluated: 2025-02-20. Review status: criteria provided, single submitter. Criteria: ACMG Guidelines, 2015. Collection method: clinical testing. Allele origin: germline. Observed: 1 variant allele.
Comment: BS1, BS2, BP4, BP7

Illumina Laboratory Services, Illumina
Classification: Benign for Oculotrichoanal syndrome. Last evaluated: 2018-01-12. Review status: criteria provided, single submitter. Criteria: ICSL Variant Classification Criteria 13 December 2019. Collection method: clinical testing. Allele origin: germline.
Comment: This variant was observed in the ICSL laboratory as part of a predisposition screen in an ostensibly healthy population. It had not been previously curated by ICSL or reported in the Human Gene Mutation Database (HGMD: prior to June 1st, 2018), and was therefore a candidate for classification through an automated scoring system. Utilizing variant allele frequency, disease prevalence and penetrance estimates, and inheritance mode, an automated score was calculated to assess if this variant is too frequent to cause the disease. Based on the score and internal cut-off values, a variant classified as benign is not then subjected to further curation. The score for this variant resulted in a classification of benign for this disease.

Breakthrough Genomics
Classification: Benign. Review status: criteria provided, single submitter. Criteria: ACMG Guidelines, 2015. Collection method: not provided. Allele origin: germline. Inheritance: Autosomal recessive inheritance. Affected: yes.

NM_001379081.2(FREM1):c.1791T>C (p.Tyr597=)

Gene: FREM1 (FRAS1 related extracellular matrix 1; minus strand). Cytogenetic location: 9p22.3.
Variant type: single nucleotide variant.
Coding change: c.1791T>C on transcript NM_001379081.2 (MANE Select); coding-DNA position 1791, T replaced by C.
Protein change: p.Tyr597=; no amino-acid change (tyrosine 597 retained).
Molecular consequence: synonymous variant. On other transcripts: non-coding transcript variant (2).
Genome position (GRCh38, 1-based): chr9:14,841,537, A>G on the plus strand (T>C on the coding strand, the complement: FREM1 is on the minus strand). VCF-style: chr9-14841537-A-G. GRCh37 (hg19) VCF-style: chr9-14841535-A-G.
Other names: p.Tyr597=; c.1791T>C, p.Tyr597= (NM_144966.7).
Identifiers: ClinVar variation 366156 (VCV000366156.16), dbSNP rs115032700, ClinGen allele CA4991131.